The following is an entry in ClinVar:

NM_004958.4(MTOR):c.1778A>T (p.Glu593Val)

Gene: MTOR (mechanistic target of rapamycin kinase; minus strand). Cytogenetic location: 1p36.22.
Variant type: single nucleotide variant.
Coding change: c.1778A>T on transcript NM_004958.4 (MANE Select); coding-DNA position 1778, A replaced by T.
Protein change: p.Glu593Val; replaces glutamic acid 593 with valine.
Molecular consequence: missense variant.
Genome position (GRCh38, 1-based): chr1:11,240,311, T>A on the plus strand (A>T on the coding strand, the complement: MTOR is on the minus strand). VCF-style: chr1-11240311-T-A. GRCh37 (hg19) VCF-style: chr1-11300368-T-A.
Other names: c.1778A>T, p.Glu593Val (NM_001386500.1); c.530A>T, p.Glu177Val (NM_001386501.1); short protein forms E593V, E177V.
Identifiers: ClinVar variation 1509339 (VCV001509339.6), dbSNP rs1174383282, ClinGen allele CA338391688.

ClinVar aggregate classification (germline): Uncertain significance (1 of 4 stars; one submission).

Allele frequency attached by ClinVar (database versions not stated): gnomAD exomes below 0.00001; gnomAD 0.00001; TOPMed 0.00002.
gnomAD v4.1: 3 of 1,557,562 alleles (0.00019%); highest among the groups gnomAD compares: Admixed American, 0.004%; no homozygotes.

Submission:

Labcorp Genetics (formerly Invitae), Labcorp
Classification: Uncertain significance. Last evaluated: 2022-08-15. Review status: criteria provided, single submitter. Criteria: Invitae Variant Classification Sherloc (09022015). Collection method: clinical testing. Allele origin: germline.
Comment: This variant is not present in population databases (gnomAD no frequency). In summary, the available evidence is currently insufficient to determine the role of this variant in disease. Therefore, it has been classified as a Variant of Uncertain Significance. Advanced modeling of protein sequence and biophysical properties (such as structural, functional, and spatial information, amino acid conservation, physicochemical variation, residue mobility, and thermodynamic stability) performed at Invitae indicates that this missense variant is not expected to disrupt MTOR protein function. ClinVar contains an entry for this variant (Variation ID: 1509339). This variant has not been reported in the literature in individuals affected with MTOR-related conditions. This sequence change replaces glutamic acid, which is acidic and polar, with valine, which is neutral and non-polar, at codon 593 of the MTOR protein (p.Glu593Val).